The following is an entry in ClinVar:

ClinVar aggregate classification (germline): Uncertain significance (1 of 4 stars; one submission).

Conditions:
Neonatal encephalomyopathy-cardiomyopathy-respiratory distress syndrome. Also called: Coenzyme Q10 deficiency, primary, 7. Identifiers: Orphanet 457185, MedGen C5568562, MONDO:0014562, OMIM 616276.

Submission:

Labcorp Genetics (formerly Invitae), Labcorp
Classification: Uncertain significance for Neonatal encephalomyopathy-cardiomyopathy-respiratory distress syndrome. Last evaluated: 2024-01-18. Review status: criteria provided, single submitter. Criteria: Invitae Variant Classification Sherloc (09022015). Collection method: clinical testing. Allele origin: unknown.
Comment: A copy number gain of the genomic region encompassing the full coding sequence of the COQ4 gene has been identified. The boundaries of this event are unknown as they extend beyond the assayed region for this gene and therefore may encompass additional genes. As the precise location of this event is unknown, it may be in tandem or it may be located elsewhere in the genome. This variant has not been reported in the literature in individuals affected with COQ4-related conditions. In summary, the available evidence is currently insufficient to determine the role of this variant in disease. Therefore, it has been classified as a Variant of Uncertain Significance.

NC_000009.11:g.(?_130911805)_(131302617_?)dup

Genes: BBLN (bublin coiled coil protein; plus strand), CERCAM (cerebral endothelial cell adhesion molecule; plus strand), CIZ1 (CDKN1A interacting zinc finger protein 1; minus strand), COQ4 (coenzyme Q4; plus strand), DNM1 (dynamin 1; plus strand) and 40 more. Cytogenetic location: 9q34.11.
Variant type: Duplication.
Identifiers: ClinVar variation 3245266 (VCV003245266.1).